The following is an entry in ClinVar:

NM_005257.6(GATA6):c.239_245del (p.Leu80fs)

Gene: GATA6 (GATA binding protein 6; plus strand). Cytogenetic location: 18q11.2.
Variant type: Deletion.
Coding change: c.239_245del on transcript NM_005257.6 (MANE Select); coding-DNA positions 239 to 245, 7 bases deleted (TCAGTTC; older notation c.239_245delTCAGTTC).
Protein change: p.Leu80fs; shifts the reading frame from leucine 80.
Molecular consequence: frameshift variant.
Genome position (GRCh38, 1-based): chr18:22,171,383-22,171,389, TCAGTTC deleted; deleting any 7 consecutive bases within chr18:22,171,382-22,171,389 gives the same sequence; the c. name uses the placement nearest the transcript's 3' end. VCF-style (leftmost placement, unchanged base first): chr18-22171381-GCTCAGTT-G. GRCh37 (hg19) VCF-style: chr18-19751342-GCTCAGTT-G.
Other names: c.239_245delTCAGTTC (NM_005257.5); short protein forms L80fs.
Identifiers: ClinVar variation 2445920 (VCV002445920.1), dbSNP rs2510625479, ClinGen allele CA2580095473.

ClinVar aggregate classification (germline): Likely pathogenic (1 of 4 stars; one submission).

Conditions:
Heart defects, congenital, and other congenital anomalies. Also called: Pancreatic hypoplasia-diabetes-congenital heart disease syndrome; PANCREATIC HYPOPLASIA, CONGENITAL, WITH DIABETES MELLITUS AND CONGENITAL HEART DISEASE. Identifiers: Orphanet 2255, MedGen C2931296, MONDO:0010802, OMIM 600001.

Submission:

Women's Health and Genetics/Laboratory Corporation of America, LabCorp
Classification: Likely pathogenic for Heart defects, congenital, and other congenital anomalies. Last evaluated: 2023-02-20. Review status: criteria provided, single submitter. Criteria: LabCorp Variant Classification Summary - May 2015. Collection method: clinical testing. Allele origin: germline.
Comment: Variant summary: GATA6 c.239_245delTCAGTTC (p.Leu80ProfsX55) results in a premature termination codon, predicted to cause a truncation of the encoded protein or absence of the protein due to nonsense mediated decay, which are commonly known mechanisms for disease. Truncations downstream of this position have been cited as pathogenic and disease-associated in ClinVar and HGMD. The variant was absent in 203726 control chromosomes. To our knowledge, no occurrence of c.239_245delTCAGTTC in individuals affected with Pancreatic Agenesis and Congenital Heart Defects and no experimental evidence demonstrating its impact on protein function have been reported. No clinical diagnostic laboratories have submitted clinical-significance assessments for this variant to ClinVar after 2014. Based on the evidence outlined above, the variant was classified as likely pathogenic.